The following is an entry in ClinVar:

NM_152328.5(ADSS1):c.257C>T (p.Pro86Leu)

Gene: ADSS1 (adenylosuccinate synthase 1; plus strand). Cytogenetic location: 14q32.33.
Variant type: single nucleotide variant.
Coding change: c.257C>T on transcript NM_152328.5 (MANE Select); coding-DNA position 257, C replaced by T.
Protein change: p.Pro86Leu; replaces proline 86 with leucine.
Molecular consequence: missense variant. On other transcripts: 5 prime UTR variant (1).
Genome position (GRCh38, 1-based): chr14:104,735,084, C>T. VCF-style: chr14-104735084-C-T. GRCh37 (hg19) VCF-style: chr14-105201421-C-T.
Other names: c.-342C>T (NM_001320424.1); c.386C>T, p.Pro129Leu (NM_199165.2); short protein forms P86L, P129L.
Identifiers: ClinVar variation 1933994 (VCV001933994.5), dbSNP rs766559463, ClinGen allele CA7373566.

ClinVar aggregate classification (germline): Uncertain significance (1 of 4 stars; one submission).

Allele frequency attached by ClinVar (database versions not stated): ExAC 0.00001; TOPMed 0.00001; gnomAD exomes 0.00002; gnomAD 0.00003.
gnomAD v4.1: 40 of 1,613,172 alleles (0.0025%); highest among the groups gnomAD compares: Non-Finnish European, 0.0034%; no homozygotes.

Submission:

Labcorp Genetics (formerly Invitae), Labcorp
Classification: Uncertain significance. Last evaluated: 2022-05-28. Review status: criteria provided, single submitter. Criteria: Invitae Variant Classification Sherloc (09022015). Collection method: clinical testing. Allele origin: germline.
Comment: This sequence change replaces proline, which is neutral and non-polar, with leucine, which is neutral and non-polar, at codon 129 of the ADSSL1 protein (p.Pro129Leu). This variant is present in population databases (rs766559463, gnomAD 0.002%). This variant has not been reported in the literature in individuals affected with ADSSL1-related conditions. Algorithms developed to predict the effect of missense changes on protein structure and function are either unavailable or do not agree on the potential impact of this missense change (SIFT: "Not Available"; PolyPhen-2: "Probably Damaging"; Align-GVGD: "Not Available"). In summary, the available evidence is currently insufficient to determine the role of this variant in disease. Therefore, it has been classified as a Variant of Uncertain Significance.